The following is an entry in ClinVar:

NM_032830.3(UTP4):c.2008G>A (p.Asp670Asn)

Gene: UTP4 (UTP4 small subunit processome component). Cytogenetic location: 16q22.1.
Variant type: single nucleotide variant.
Coding change: c.2008G>A on transcript NM_032830.3 (MANE Select); coding-DNA position 2008, G replaced by A.
Protein change: p.Asp670Asn; replaces aspartic acid 670 with asparagine.
Molecular consequence: missense variant.
Genome position (GRCh38, 1-based): chr16:69,168,884, G>A. VCF-style: chr16-69168884-G-A. GRCh37 (hg19) VCF-style: chr16-69202787-G-A.
Other names: c.1759G>A, p.Asp587Asn (NM_001318391.2); short protein forms D587N, D670N.
Identifiers: ClinVar variation 3672569 (VCV003672569.2).

ClinVar aggregate classification (germline): Uncertain significance (1 of 4 stars; one submission).

Submission:

Labcorp Genetics (formerly Invitae), Labcorp
Classification: Uncertain significance. Last evaluated: 2026-01-27. Review status: criteria provided, single submitter. Criteria: Invitae Variant Classification Sherloc (09022015). Collection method: clinical testing. Allele origin: germline.
Comment: This sequence change replaces aspartic acid, which is acidic and polar, with asparagine, which is neutral and polar, at codon 670 of the UTP4 protein (p.Asp670Asn). This variant is not present in population databases (gnomAD no frequency). This variant has not been reported in the literature in individuals affected with UTP4-related conditions. ClinVar contains an entry for this variant (Variation ID: 3672569). Invitae Evidence Modeling of protein sequence and biophysical properties (such as structural, functional, and spatial information, amino acid conservation, physicochemical variation, residue mobility, and thermodynamic stability) indicates that this missense variant is not expected to disrupt UTP4 protein function with a negative predictive value of 80%. In summary, the available evidence is currently insufficient to determine the role of this variant in disease. Therefore, it has been classified as a Variant of Uncertain Significance.